The following is an entry in ClinVar:

ClinVar aggregate classification (germline): Pathogenic (1 of 4 stars; one submission).

Submission:

Labcorp Genetics (formerly Invitae), Labcorp
Classification: Pathogenic. Last evaluated: 2023-06-10. Review status: criteria provided, single submitter. Criteria: Invitae Variant Classification Sherloc (09022015). Collection method: clinical testing. Allele origin: unknown.
Comment: For these reasons, this variant has been classified as Pathogenic. This variant has not been reported in the literature in individuals affected with TTLL5-related conditions. This variant is a gross deletion of the genomic region encompassing exon(s) 21 of the TTLL5 gene. This deletion is out-of-frame, and is expected to create a premature termination codon and result in an absent or disrupted protein product. Loss-of-function variants in TTLL5 are known to be pathogenic (PMID: 24791901, 27162334).

Literature cited by the submitters: PubMed 24791901; PubMed 27162334.

NC_000014.8:g.(?_76238057)_(76238217_?)del

Gene: TTLL5 (tubulin tyrosine ligase like 5; plus strand). Cytogenetic location: 14q24.3.
Variant type: Deletion.
Identifiers: ClinVar variation 3244091 (VCV003244091.1).